The following is an entry in ClinVar:

ClinVar aggregate classification (germline): Uncertain significance (1 of 4 stars; one submission).

Conditions:
Charcot-Marie-Tooth disease type 2. Also called: Charcot-Marie-Tooth type 2. Identifiers: Orphanet 64746, MedGen C0270914, MONDO:0018993.

Submission:

Labcorp Genetics (formerly Invitae), Labcorp
Classification: Uncertain significance for Charcot-Marie-Tooth disease type 2. Last evaluated: 2024-02-24. Review status: criteria provided, single submitter. Criteria: Invitae Variant Classification Sherloc (09022015). Collection method: clinical testing. Allele origin: germline.
Comment: This sequence change replaces glutamine, which is neutral and polar, with histidine, which is basic and polar, at codon 387 of the MFN2 protein (p.Gln387His). This variant is not present in population databases (gnomAD no frequency). This variant has not been reported in the literature in individuals affected with MFN2-related conditions. ClinVar contains an entry for this variant (Variation ID: 1442712). An algorithm developed to predict the effect of missense changes on protein structure and function (PolyPhen-2) suggests that this variant is likely to be tolerated. In summary, the available evidence is currently insufficient to determine the role of this variant in disease. Therefore, it has been classified as a Variant of Uncertain Significance.

NM_014874.4(MFN2):c.1161G>T (p.Gln387His)

Gene: MFN2 (mitofusin 2; plus strand). Cytogenetic location: 1p36.22.
Variant type: single nucleotide variant.
Coding change: c.1161G>T on transcript NM_014874.4 (MANE Select); coding-DNA position 1161, G replaced by T.
Protein change: p.Gln387His; replaces glutamine 387 with histidine.
Molecular consequence: missense variant.
Genome position (GRCh38, 1-based): chr1:12,003,992, G>T. VCF-style: chr1-12003992-G-T. GRCh37 (hg19) VCF-style: chr1-12064049-G-T.
Other names: c.1161G>T, p.Gln387His (NM_001127660.2); short protein forms Q387H.
Identifiers: ClinVar variation 1442712 (VCV001442712.6), dbSNP rs2100847056, ClinGen allele CA338444646.